The following is an entry in ClinVar:

NM_207361.6(FREM2):c.*6265G>A

Gene: FREM2 (FRAS1 related extracellular matrix 2; plus strand). Cytogenetic location: 13q13.3.
Variant type: single nucleotide variant.
Coding change: c.*6265G>A on transcript NM_207361.6 (MANE Select); 6265 bases downstream of the stop codon, G replaced by A.
Molecular consequence: 3 prime UTR variant.
Genome position (GRCh38, 1-based): chr13:38,887,052, G>A. VCF-style: chr13-38887052-G-A. GRCh37 (hg19) VCF-style: chr13-39461189-G-A.
Identifiers: ClinVar variation 312121 (VCV000312121.5), dbSNP rs149647289, ClinGen allele CA10634362.

ClinVar aggregate classification (germline): Likely benign (1 of 4 stars; one submission).

Conditions:
Fraser syndrome 2 (FRASRS2). Identifiers: MedGen C4540036, MONDO:0054738, OMIM 617666.

Allele frequency attached by ClinVar (database versions not stated): gnomAD 0.00397 and 0.00401; 1000 Genomes Project 30x 0.00515; TOPMed 0.00517; 1000 Genomes Project 0.00519.

Submission:

Illumina Laboratory Services, Illumina
Classification: Likely benign for Fraser syndrome 2. Last evaluated: 2018-01-13. Review status: criteria provided, single submitter. Criteria: ICSL Variant Classification Criteria 13 December 2019. Collection method: clinical testing. Allele origin: germline.
Comment: This variant was observed in the ICSL laboratory as part of a predisposition screen in an ostensibly healthy population. It had not been previously curated by ICSL or reported in the Human Gene Mutation Database (HGMD: prior to June 1st, 2018), and was therefore a candidate for classification through an automated scoring system. Utilizing variant allele frequency, disease prevalence and penetrance estimates, and inheritance mode, an automated score was calculated to assess if this variant is too frequent to cause the disease. Based on the score and internal cut-off values, a variant classified as likely benign is not then subjected to further curation. The score for this variant resulted in a classification of likely benign for this disease.